The following is an entry in ClinVar:

NM_000535.7(PMS2):c.992G>A (p.Cys331Tyr)

Gene: PMS2 (PMS1 homolog 2, mismatch repair system component; minus strand). Cytogenetic location: 7p22.1.
Variant type: single nucleotide variant.
Coding change: c.992G>A on transcript NM_000535.7 (MANE Select); coding-DNA position 992, G replaced by A.
Protein change: p.Cys331Tyr; replaces cysteine 331 with tyrosine.
Molecular consequence: missense variant. On other transcripts: intron variant (2), non-coding transcript variant (1).
Genome position (GRCh38, 1-based): chr7:5,989,952, C>T on the plus strand (G>A on the coding strand, the complement: PMS2 is on the minus strand). VCF-style: chr7-5989952-C-T. GRCh37 (hg19) VCF-style: chr7-6029583-C-T.
Other names: c.988+2021G>A (NM_001322006.2); c.674G>A, p.Cys225Tyr (NM_001322007.2, NM_001322008.2); c.587G>A, p.Cys196Tyr (NM_001322003.2, NM_001322004.2, NM_001322005.2 and 1 more transcripts); c.419G>A, p.Cys140Tyr (NM_001322013.2); c.992G>A, p.Cys331Tyr (NM_001322014.2); c.683G>A, p.Cys228Tyr (NM_001322015.2); c.583+2021G>A (NM_001322010.2); c.59G>A, p.Cys20Tyr (NM_001322011.2, NM_001322012.2); short protein forms C331Y, C140Y, C20Y, C228Y, C225Y, C196Y.
Identifiers: ClinVar variation 455753 (VCV000455753.15), dbSNP rs1184563006, ClinGen allele CA366743037.

ClinVar aggregate classification (germline): Uncertain significance. Review status: criteria provided, multiple submitters, no conflicts (2 of 4 stars). 4 submissions from 4 submitters: Uncertain significance (4). Last evaluated 2025-07-31.

Conditions:
Hereditary nonpolyposis colorectal neoplasms. Identifiers: MedGen C0009405, MeSH D003123.
Hereditary cancer-predisposing syndrome. Also called: Hereditary Cancer Syndrome; Hereditary neoplastic syndrome; Neoplastic Syndromes, Hereditary; Tumor predisposition. Identifiers: Orphanet 140162, MedGen C0027672, MeSH D009386, MONDO:0015356.
Lynch syndrome. Identifiers: Orphanet 144, MedGen C4552100, MONDO:0005835. Disease mechanism: loss of function.

Allele frequency attached by ClinVar (database versions not stated): gnomAD exomes below 0.00001; TOPMed below 0.00001.

Submissions (4):

Labcorp Genetics (formerly Invitae), Labcorp
Classification: Uncertain significance for Hereditary nonpolyposis colorectal neoplasms. Last evaluated: 2025-07-31. Review status: criteria provided, single submitter. Criteria: Invitae Variant Classification Sherloc (09022015). Collection method: clinical testing. Allele origin: germline.
Comment: This sequence change replaces cysteine, which is neutral and slightly polar, with tyrosine, which is neutral and polar, at codon 331 of the PMS2 protein (p.Cys331Tyr). This variant is present in population databases (no rsID available, gnomAD 0.003%). This variant has not been reported in the literature in individuals affected with PMS2-related conditions. ClinVar contains an entry for this variant (Variation ID: 455753). Invitae Evidence Modeling incorporating data from in vitro experimental studies (internal data) indicates that this missense variant is not expected to disrupt PMS2 function with a negative predictive value of 95%. In summary, the available evidence is currently insufficient to determine the role of this variant in disease. Therefore, it has been classified as a Variant of Uncertain Significance.

Ambry Genetics
Classification: Uncertain significance for Hereditary cancer-predisposing syndrome. Last evaluated: 2025-07-03. Review status: criteria provided, single submitter. Criteria: Ambry Variant Classification Scheme 2023. Collection method: clinical testing. Allele origin: germline.
Comment: The p.C331Y variant (also known as c.992G>A), located in coding exon 10 of the PMS2 gene, results from a G to A substitution at nucleotide position 992. The cysteine at codon 331 is replaced by tyrosine, an amino acid with highly dissimilar properties. This amino acid position is highly conserved in available vertebrate species. In addition, this alteration is predicted to be deleterious by in silico analysis. Since supporting evidence is limited at this time, the clinical significance of this alteration remains unclear.

Color Diagnostics, LLC DBA Color Health
Classification: Uncertain significance for Hereditary cancer-predisposing syndrome. Last evaluated: 2024-03-07. Review status: criteria provided, single submitter. Criteria: ACMG Guidelines, 2015. Collection method: clinical testing. Allele origin: germline.
Comment: This missense variant replaces cysteine with tyrosine at codon 331 of the PMS2 protein. Computational prediction is inconclusive regarding the impact of this variant on protein structure and function (internally defined REVEL score threshold 0.5 < inconclusive < 0.7, PMID: 27666373). To our knowledge, functional studies have not been reported for this variant. This variant has not been reported in individuals affected with PMS2-related disorders in the literature. This variant has been identified in 1/248096 chromosomes in the general population by the Genome Aggregation Database (gnomAD). The available evidence is insufficient to determine the role of this variant in disease conclusively. Therefore, this variant is classified as a Variant of Uncertain Significance.

All of Us Research Program, National Institutes of Health
Classification: Uncertain significance for Lynch syndrome. Last evaluated: 2023-06-08. Review status: criteria provided, single submitter. Criteria: ACMG Guidelines, 2015. Collection method: clinical testing. Allele origin: germline. Inheritance: Autosomal dominant inheritance. Observed: 1 variant allele, 1 heterozygote.
Comment: This missense variant replaces cysteine with tyrosine at codon 331 of the PMS2 protein. Computational prediction is inconclusive regarding the impact of this variant on protein structure and function (internally defined REVEL score threshold 0.5 < inconclusive < 0.7, PMID: 27666373). To our knowledge, functional studies have not been reported for this variant. This variant has not been reported in individuals affected with PMS2-related disorders in the literature. This variant has been identified in 1/248096 chromosomes in the general population by the Genome Aggregation Database (gnomAD). The available evidence is insufficient to determine the role of this variant in disease conclusively. Therefore, this variant is classified as a Variant of Uncertain Significance.

This study involves interpretation of variants in research participants for the purpose of population health screening. Participant phenotype was not available at the time of variant classification. Additional details can be found in publication PMID: 35346344, PMCID: PMC8962531